The following is an entry in ClinVar:

ClinVar aggregate classification (germline): Uncertain significance (1 of 4 stars; one submission).

Conditions:
Inborn genetic diseases. Identifiers: MedGen C0950123, MeSH D030342.

Submission:

Ambry Genetics
Classification: Uncertain significance for Inborn genetic diseases. Last evaluated: 2021-06-20. Review status: criteria provided, single submitter. Criteria: Ambry Variant Classification Scheme 2023. Collection method: clinical testing. Allele origin: germline.
Comment: The p.K711E variant (also known as c.2131A>G), located in coding exon 13 of the PIK3CA gene, results from an A to G substitution at nucleotide position 2131. The lysine at codon 711 is replaced by glutamic acid, an amino acid with similar properties. This amino acid position is conserved. In addition, this alteration is predicted to be deleterious by in silico analysis. Since supporting evidence is limited at this time, the clinical significance of this alteration remains unclear.

NM_006218.4(PIK3CA):c.2131A>G (p.Lys711Glu)

Gene: PIK3CA (phosphatidylinositol-4,5-bisphosphate 3-kinase catalytic subunit alpha; plus strand). Cytogenetic location: 3q26.32.
Variant type: single nucleotide variant.
Coding change: c.2131A>G on transcript NM_006218.4 (MANE Select); coding-DNA position 2131, A replaced by G.
Protein change: p.Lys711Glu; replaces lysine 711 with glutamic acid.
Molecular consequence: missense variant.
Genome position (GRCh38, 1-based): chr3:179,221,101, A>G. VCF-style: chr3-179221101-A-G. GRCh37 (hg19) VCF-style: chr3-178938889-A-G.
Other names: short protein forms K711E.
Identifiers: ClinVar variation 1786408 (VCV001786408.2), dbSNP rs2108413685, ClinGen allele CA355269004.